The following is an entry in ClinVar:

NM_004393.6(DAG1):c.1100C>T (p.Thr367Met)

Gene: DAG1 (dystroglycan 1; plus strand). Cytogenetic location: 3p21.31.
Variant type: single nucleotide variant.
Coding change: c.1100C>T on transcript NM_004393.6 (MANE Select); coding-DNA position 1100, C replaced by T.
Protein change: p.Thr367Met; replaces threonine 367 with methionine.
Molecular consequence: missense variant.
Genome position (GRCh38, 1-based): chr3:49,531,611, C>T. VCF-style: chr3-49531611-C-T. GRCh37 (hg19) VCF-style: chr3-49569044-C-T.
Other names: c.1100C>T, p.Thr367Met (NM_001165928.4, NM_001177634.3, NM_001177635.3 and 9 more transcripts); short protein forms T367M.
Identifiers: ClinVar variation 658300 (VCV000658300.4), dbSNP rs746712913, ClinGen allele CA2399012.

ClinVar aggregate classification (germline): Uncertain significance (1 of 4 stars; one submission).

Conditions:
Muscular dystrophy-dystroglycanopathy (congenital with brain and eye anomalies), type A9. Also called: WALKER-WARBURG SYNDROME OR MUSCLE-EYE BRAIN DISEASE, DAG1-RELATED; Muscular dystrophy-dystroglycanopathy (congenital with brain and eye anomalies), type a, 9. Identifiers: Orphanet 370997, Orphanet 899, MedGen C4225291, MONDO:0014683, OMIM 616538.
Autosomal recessive limb-girdle muscular dystrophy type 2P. Also called: MUSCULAR DYSTROPHY-DYSTROGLYCANOPATHY, LIMB-GIRDLE, DAG1-RELATED; Limb-Girdle Muscular Dystrophy Type 9C; MUSCULAR DYSTROPHY, LIMB-GIRDLE, TYPE 2P. Identifiers: Orphanet 280333, MedGen C4511963, MONDO:0013440, OMIM 613818.

Allele frequency attached by ClinVar (database versions not stated): ExAC 0.00001; gnomAD 0.00001; gnomAD exomes 0.00001.
gnomAD v4.1: 23 of 1,613,158 alleles (0.0014%); highest among the groups gnomAD compares: South Asian, 0.013%; 1 homozygote.

Submission:

Labcorp Genetics (formerly Invitae), Labcorp
Classification: Uncertain significance for Autosomal recessive limb-girdle muscular dystrophy type 2P; Muscular dystrophy-dystroglycanopathy (congenital with brain and eye anomalies), type A9. Last evaluated: 2021-09-01. Review status: criteria provided, single submitter. Criteria: Invitae Variant Classification Sherloc (09022015). Collection method: clinical testing. Allele origin: germline.
Comment: This sequence change replaces threonine with methionine at codon 367 of the DAG1 protein (p.Thr367Met). The threonine residue is moderately conserved and there is a moderate physicochemical difference between threonine and methionine. This variant is present in population databases (rs746712913, ExAC 0.006%). This variant has not been reported in the literature in individuals affected with DAG1-related conditions. Algorithms developed to predict the effect of missense changes on protein structure and function are either unavailable or do not agree on the potential impact of this missense change (SIFT: "Deleterious"; PolyPhen-2: "Probably Damaging"; Align-GVGD: "Class C0"). In summary, the available evidence is currently insufficient to determine the role of this variant in disease. Therefore, it has been classified as a Variant of Uncertain Significance.